The following is an entry in ClinVar:

ClinVar aggregate classification (germline): Likely benign. Review status: criteria provided, multiple submitters, no conflicts (2 of 4 stars). 3 submissions from 3 submitters: Likely benign (3). Last evaluated 2025-12-22.

Conditions:
DTHD1-related disorder. Also called: DTHD1-related condition.

Allele frequency attached by ClinVar (database versions not stated): gnomAD 0.00001 and 0.00009; TOPMed 0.00002; gnomAD exomes 0.00022 and 0.00065; 1000 Genomes Project 30x 0.00078; 1000 Genomes Project 0.00100; ExAC 0.00138.
gnomAD v4.1: 328 of 1,551,106 alleles (0.021%); highest among the groups gnomAD compares: South Asian, 0.36%; 4 homozygotes.

Submissions (3):

Labcorp Genetics (formerly Invitae), Labcorp
Classification: Likely benign. Last evaluated: 2025-12-22. Review status: criteria provided, single submitter. Criteria: Invitae Variant Classification Sherloc (09022015). Collection method: clinical testing. Allele origin: germline.

PreventionGenetics, part of Exact Sciences
Classification: Likely benign for DTHD1-related condition. Last evaluated: 2024-12-30. Review status: criteria provided, single submitter. Criteria: ACMG Guidelines, 2015. Collection method: clinical testing. Allele origin: germline.
Comment: This variant is classified as likely benign based on ACMG/AMP sequence variant interpretation guidelines (Richards et al. 2015 PMID: 25741868, with internal and published modifications).

Blueprint Genetics
Classification: Likely benign. Last evaluated: 2024-11-04. Review status: criteria provided, single submitter. Criteria: ACMG Guidelines, 2015. Collection method: clinical testing. Allele origin: germline.

NM_001170700.3(DTHD1):c.1768G>A (p.Gly590Ser)

Gene: DTHD1 (death domain containing 1; plus strand). Cytogenetic location: 4p14.
Variant type: single nucleotide variant.
Coding change: c.1768G>A on transcript NM_001170700.3 (MANE Select); coding-DNA position 1768, G replaced by A.
Protein change: p.Gly590Ser; replaces glycine 590 with serine.
Molecular consequence: missense variant. On other transcripts: non-coding transcript variant (2).
Genome position (GRCh38, 1-based): chr4:36,306,315, G>A. VCF-style: chr4-36306315-G-A. GRCh37 (hg19) VCF-style: chr4-36307937-G-A.
Other names: c.898G>A (NM_001136536.4); c.898G>A, p.Gly300Ser (NM_001136536.5); c.835G>A, p.Gly279Ser (NM_001378435.1); short protein forms G279S, G300S, G590S.
Identifiers: ClinVar variation 1122914 (VCV001122914.11), dbSNP rs373949236, ClinGen allele CA2885671.